The following is an entry in ClinVar:

ClinVar aggregate classification (germline): Likely benign. Review status: criteria provided, multiple submitters, no conflicts (2 of 4 stars). 3 submissions from 3 submitters: Likely benign (3). Last evaluated 2026-06-08.

Conditions:
Ehlers-Danlos syndrome, classic type, 1 (EDSCL1). Also called: Ehlers-Danlos syndrome, type 1; Ehlers-Danlos Syndrome, Classic Type, COL5A1-Related; EDS I; EHLERS-DANLOS SYNDROME, GRAVIS TYPE; EHLERS-DANLOS SYNDROME, SEVERE CLASSIC TYPE. Identifiers: MedGen C0268335, MONDO:0019567, OMIM 130000.

Allele frequency attached by ClinVar (database versions not stated): gnomAD 0.00001; gnomAD exomes 0.00001; TOPMed below 0.00001; ExAC 0.00001.
gnomAD v4.1: 11 of 1,605,962 alleles (0.00068%); highest among the groups gnomAD compares: South Asian, 0.0044%; no homozygotes.

Submissions (3):

Women's Health and Genetics/Laboratory Corporation of America, LabCorp
Classification: Likely benign. Last evaluated: 2026-06-08. Review status: criteria provided, single submitter. Criteria: LabCorp Variant Classification Summary - May 2015. Collection method: clinical testing. Allele origin: germline.

Labcorp Genetics (formerly Invitae), Labcorp
Classification: Likely benign for Ehlers-Danlos syndrome, classic type, 1. Last evaluated: 2025-11-21. Review status: criteria provided, single submitter. Criteria: Invitae Variant Classification Sherloc (09022015). Collection method: clinical testing. Allele origin: germline.

GeneDx
Classification: Likely benign. Last evaluated: 2017-10-06. Review status: criteria provided, single submitter. Criteria: GeneDx Variant Classification (06012015). Collection method: clinical testing. Allele origin: germline. Affected: yes.
Comment: This variant is considered likely benign or benign based on one or more of the following criteria: it is a conservative change, it occurs at a poorly conserved position in the protein, it is predicted to be benign by multiple in silico algorithms, and/or has population frequency not consistent with disease.

NM_000393.5(COL5A2):c.2392-18T>C

Gene: COL5A2 (collagen type V alpha 2 chain; minus strand). Cytogenetic location: 2q32.2.
Variant type: single nucleotide variant.
Coding change: c.2392-18T>C on transcript NM_000393.5 (MANE Select); 18 bases into the intron before coding-DNA position 2392, T replaced by C.
Molecular consequence: intron variant.
Genome position (GRCh38, 1-based): chr2:189,054,230, A>G on the plus strand (T>C on the coding strand, the complement: COL5A2 is on the minus strand). VCF-style: chr2-189054230-A-G. GRCh37 (hg19) VCF-style: chr2-189918956-A-G.
Identifiers: ClinVar variation 512628 (VCV000512628.4), dbSNP rs746722538, ClinGen allele CA2022343.